The following is an entry in ClinVar:

NM_006767.4(LZTR1):c.2023G>T (p.Gly675Trp)

Gene: LZTR1 (leucine zipper like post translational regulator 1; plus strand). Cytogenetic location: 22q11.21.
Variant type: single nucleotide variant.
Coding change: c.2023G>T on transcript NM_006767.4 (MANE Select); coding-DNA position 2023, G replaced by T.
Protein change: p.Gly675Trp; replaces glycine 675 with tryptophan.
Molecular consequence: missense variant.
Genome position (GRCh38, 1-based): chr22:20,995,826, G>T. VCF-style: chr22-20995826-G-T. GRCh37 (hg19) VCF-style: chr22-21350115-G-T.
Other names: short protein forms G675W.
Identifiers: ClinVar variation 1784612 (VCV001784612.2), dbSNP rs369362070, ClinGen allele CA410779083.

ClinVar aggregate classification (germline): Uncertain significance (1 of 4 stars; one submission).

Conditions:
Hereditary cancer-predisposing syndrome. Also called: Neoplastic Syndromes, Hereditary; Tumor predisposition; Hereditary Cancer Syndrome; Hereditary neoplastic syndrome. Identifiers: Orphanet 140162, MedGen C0027672, MeSH D009386, MONDO:0015356.
Cardiovascular phenotype. Identifiers: MedGen CN230736.

Submission:

Ambry Genetics
Classification: Uncertain significance for Cardiovascular phenotype; Hereditary cancer-predisposing syndrome. Last evaluated: 2021-01-10. Review status: criteria provided, single submitter. Criteria: Ambry Variant Classification Scheme 2023. Collection method: clinical testing. Allele origin: germline.
Comment: The p.G675W variant (also known as c.2023G>T), located in coding exon 17 of the LZTR1 gene, results from a G to T substitution at nucleotide position 2023. The glycine at codon 675 is replaced by tryptophan, an amino acid with highly dissimilar properties. This amino acid position is highly conserved in available vertebrate species. In addition, this alteration is predicted to be deleterious by in silico analysis. Since supporting evidence is limited at this time, the clinical significance of this alteration remains unclear.